The following is an entry in ClinVar:

NM_207361.6(FREM2):c.6807G>A (p.Ser2269=)

Gene: FREM2 (FRAS1 related extracellular matrix 2; plus strand). Cytogenetic location: 13q13.3.
Variant type: single nucleotide variant.
Coding change: c.6807G>A on transcript NM_207361.6 (MANE Select); coding-DNA position 6807, G replaced by A.
Protein change: p.Ser2269=; no amino-acid change (serine 2269 retained).
Molecular consequence: synonymous variant.
Genome position (GRCh38, 1-based): chr13:38,851,750, G>A. VCF-style: chr13-38851750-G-A. GRCh37 (hg19) VCF-style: chr13-39425887-G-A.
Other names: c.6807G>A (NM_207361.5).
Identifiers: ClinVar variation 502616 (VCV000502616.10), dbSNP rs752080876, ClinGen allele CA6955682.

ClinVar aggregate classification (germline): Conflicting classifications of pathogenicity. Review status: criteria provided, conflicting classifications (1 of 4 stars). 3 submissions from 3 submitters: Uncertain significance (1); Likely benign (1). 1 of the submissions does not count toward it. Last evaluated 2026-01-19.

Conditions:
FREM2-related disorder. Also called: FREM2-related condition.

Allele frequency attached by ClinVar (database versions not stated): ExAC 0.00002; gnomAD exomes 0.00002; TOPMed 0.00003; gnomAD 0.00004 and 0.00005.
gnomAD v4.1: 33 of 1,613,344 alleles (0.002%); highest among the groups gnomAD compares: Admixed American, 0.005%; no homozygotes.

Submissions (3):

Labcorp Genetics (formerly Invitae), Labcorp
Classification: Likely benign. Last evaluated: 2026-01-19. Review status: criteria provided, single submitter. Criteria: Invitae Variant Classification Sherloc (09022015). Collection method: clinical testing. Allele origin: germline.

Eurofins Ntd Llc (ga)
Classification: Uncertain significance. Last evaluated: 2017-06-20. Review status: criteria provided, single submitter. Criteria: EGL Classification Definitions 2015. Collection method: clinical testing. Allele origin: germline. Observed: 1 variant allele, 1 heterozygote.

PreventionGenetics, part of Exact Sciences
Classification: Likely benign for FREM2-related condition. Last evaluated: 2021-09-22. Review status: no assertion criteria provided. Collection method: clinical testing. Allele origin: germline. Not counted in ClinVar's aggregate classification.
Comment: This variant is classified as likely benign based on ACMG/AMP sequence variant interpretation guidelines (Richards et al. 2015 PMID: 25741868, with internal and published modifications).